The following is an entry in ClinVar:

NM_032603.5(LOXL3):c.1869C>T (p.Thr623=)

Gene: LOXL3 (lysyl oxidase like 3; minus strand). Cytogenetic location: 2p13.1.
Variant type: single nucleotide variant.
Coding change: c.1869C>T on transcript NM_032603.5 (MANE Select); coding-DNA position 1869, C replaced by T.
Protein change: p.Thr623=; no amino-acid change (threonine 623 retained).
Molecular consequence: synonymous variant.
Genome position (GRCh38, 1-based): chr2:74,534,386, G>A on the plus strand (C>T on the coding strand, the complement: LOXL3 is on the minus strand). VCF-style: chr2-74534386-G-A. GRCh37 (hg19) VCF-style: chr2-74761513-G-A.
Other names: c.1434C>T, p.Thr478= (NM_001289164.3); c.786C>T, p.Thr262= (NM_001289165.2); c.1869C>T (NM_032603.4).
Identifiers: ClinVar variation 2797084 (VCV002797084.5), dbSNP rs755651920, ClinGen allele CA1728773.

ClinVar aggregate classification (germline): Likely benign. Review status: criteria provided, single submitter (1 of 4 stars). 2 submissions from 2 submitters: Likely benign (1). 1 of the submissions does not count toward it. Last evaluated 2023-03-08.

Conditions:
LOXL3-related disorder. Also called: LOXL3-related condition.

Allele frequency attached by ClinVar (database versions not stated): ExAC 0.00001; gnomAD 0.00001.

Submissions (2):

Labcorp Genetics (formerly Invitae), Labcorp
Classification: Likely benign. Last evaluated: 2023-03-08. Review status: criteria provided, single submitter. Criteria: Invitae Variant Classification Sherloc (09022015). Collection method: clinical testing. Allele origin: germline.

PreventionGenetics, part of Exact Sciences
Classification: Likely benign for LOXL3-related condition. Last evaluated: 2021-10-28. Review status: no assertion criteria provided. Collection method: clinical testing. Allele origin: germline. Not counted in ClinVar's aggregate classification.
Comment: This variant is classified as likely benign based on ACMG/AMP sequence variant interpretation guidelines (Richards et al. 2015 PMID: 25741868, with internal and published modifications).